The following is an entry in ClinVar:

NM_014141.6(CNTNAP2):c.208G>C (p.Gly70Arg)

Gene: CNTNAP2 (contactin associated protein 2; plus strand). Cytogenetic location: 7q35.
Variant type: single nucleotide variant.
Coding change: c.208G>C on transcript NM_014141.6 (MANE Select); coding-DNA position 208, G replaced by C.
Protein change: p.Gly70Arg; replaces glycine 70 with arginine.
Molecular consequence: missense variant.
Genome position (GRCh38, 1-based): chr7:146,774,381, G>C. VCF-style: chr7-146774381-G-C. GRCh37 (hg19) VCF-style: chr7-146471473-G-C.
Other names: p.G70R:GGT>CGT; short protein forms G70R.
Identifiers: ClinVar variation 205298 (VCV000205298.10), dbSNP rs758143699, ClinGen allele CA314230.
Genomic context (GRCh38, chr7:146,774,381, plus strand): 5'-AGCTCCTCCTCCATCTCTGGTAGCTATTCTCCCGGCTATGCCAAGATAAACAAGAGAGGA[G>C]GTAAGCCAAATTTTGATTCTTTTATCAATAAACATGTTAAATAAGAACATGTTATATTTA-3'
Protein context (NP_054860.1, residues 60-80): PGYAKINKRG[Gly70Arg]AGGWSPSDSD

ClinVar aggregate classification (germline): Uncertain significance. Review status: criteria provided, multiple submitters, no conflicts (2 of 4 stars). 2 submissions from 2 submitters: Uncertain significance (2). Last evaluated 2017-08-17.

Conditions:
Cortical dysplasia-focal epilepsy syndrome (PTHSL1). Also called: Pitt-Hopkins-like syndrome 1. Identifiers: Orphanet 163681, Orphanet 221150, MedGen C2750246, MONDO:0012400, OMIM 610042.

Allele frequency attached by ClinVar (database versions not stated): gnomAD exomes below 0.00001; ExAC 0.00001.
gnomAD v4.1: 1 of 1,609,122 alleles (0.000062%); highest among the groups gnomAD compares: Admixed American, 0.0017%; no homozygotes.

Submissions (2):

Labcorp Genetics (formerly Invitae), Labcorp
Classification: Uncertain significance for Cortical dysplasia-focal epilepsy syndrome. Last evaluated: 2017-08-17. Review status: criteria provided, single submitter. Criteria: Invitae Variant Classification Sherloc (09022015). Collection method: clinical testing. Allele origin: germline.
Comment: In summary, the available evidence is currently insufficient to determine the role of this variant in disease. Therefore, it has been classified as a Variant of Uncertain Significance. Algorithms developed to predict the effect of sequence changes on RNA splicing suggest that this variant may disrupt the consensus splice site, but this prediction has not been confirmed by published transcriptional studies. Algorithms developed to predict the effect of missense changes on protein structure and function do not agree on the potential impact of this missense change (SIFT: "Deleterious"; PolyPhen-2: "Probably Damaging"; Align-GVGD: "Class C0"). This variant has not been reported in the literature in individuals with CNTNAP2-related disease. ClinVar contains an entry for this variant (Variation ID: 205298). This variant is present in population databases (rs758143699, ExAC 0.009%). This sequence change replaces glycine with arginine at codon 70 of the CNTNAP2 protein (p.Gly70Arg). The glycine residue is weakly conserved and there is a moderate physicochemical difference between glycine and arginine. This variant also falls at the last nucleotide of exon 2 of the CNTNAP2 coding sequence, which is part of the consensus splice site for this exon. Nucleotide substitutions within the consensus splice site are relatively common causes of aberrant splicing (PMID: 17576681, 9536098).

GeneDx
Classification: Uncertain significance. Last evaluated: 2013-09-16. Review status: criteria provided, single submitter. Criteria: GeneDx Variant Classification (06012015). Collection method: clinical testing. Allele origin: germline. Affected: yes.
Comment: p.G70R:GGT>CGT: c.208G>C in CNTNAP2 gene (NM_014141.5). The Gly70Arg missense change has not been published as a mutation, nor has it been reported as a benign polymorphism to our knowledge. It was not observed in approximately 6,500 individuals of European and African American ancestry in the NHLBI Exome Sequencing Project, indicating it is not a common benign variant in these populations. This variant is a non-conservative amino acid substitution of an uncharged Glycine residue with a positively charged Arginine residue at a position that is conserved across species. In silico analysis predicts this variant is probably damaging to the protein structure/function. However, to our knowledge, there are no reported missense mutations associated with epilepsy in this region of the protein.The variant is found in CHILD-EPI panel(s).

Literature cited by the submitters: PubMed 17576681 (cited by Labcorp Genetics (formerly Invitae), Labcorp); PubMed 9536098 (cited by Labcorp Genetics (formerly Invitae), Labcorp).